The following is an entry in ClinVar:

NM_000377.3(WAS):c.1130G>A (p.Arg377His)

Gene: WAS (WASP actin nucleation promoting factor; plus strand). Cytogenetic location: Xp11.23.
Variant type: single nucleotide variant.
Coding change: c.1130G>A on transcript NM_000377.3 (MANE Select); coding-DNA position 1130, G replaced by A.
Protein change: p.Arg377His; replaces arginine 377 with histidine.
Molecular consequence: missense variant.
Genome position (GRCh38, 1-based): chrX:48,688,858, G>A. VCF-style: chrX-48688858-G-A. GRCh37 (hg19) VCF-style: chrX-48547247-G-A.
Other names: short protein forms R377H.
Identifiers: ClinVar variation 1039519 (VCV001039519.8), dbSNP rs868995772, ClinGen allele CA329102263.

ClinVar aggregate classification (germline): Uncertain significance (1 of 4 stars; one submission).

Conditions:
Thrombocytopenia 1. Also called: THROMBOCYTOPENIA, X-LINKED, 1; X-linked thrombocytopenia with normal platelets; X-Linked Thrombocytopenia (XLT). Identifiers: Orphanet 268322, Orphanet 852, MedGen C1839163, MONDO:0010743, OMIM 313900.
Wiskott-Aldrich syndrome (WAS). Also called: ALDRICH SYNDROME; IMMUNODEFICIENCY 2; WISKOTT-ALDRICH SYNDROME 1; Wiskott-aldrich syndrome, somatic. Identifiers: Orphanet 906, MedGen C0043194, MONDO:0010518, OMIM 301000.
X-linked severe congenital neutropenia (SCNX). Identifiers: Orphanet 86788, MedGen C1845987, MONDO:0010294, OMIM 300299.

Allele frequency attached by ClinVar (database versions not stated): gnomAD exomes below 0.00001; gnomAD 0.00001.

Submission:

Labcorp Genetics (formerly Invitae), Labcorp
Classification: Uncertain significance for Wiskott-Aldrich syndrome; X-linked severe congenital neutropenia; Thrombocytopenia 1. Last evaluated: 2024-10-17. Review status: criteria provided, single submitter. Criteria: Invitae Variant Classification Sherloc (09022015). Collection method: clinical testing. Allele origin: germline.
Comment: This sequence change replaces arginine, which is basic and polar, with histidine, which is basic and polar, at codon 377 of the WAS protein (p.Arg377His). This variant is not present in population databases (gnomAD no frequency). This variant has not been reported in the literature in individuals affected with WAS-related conditions. ClinVar contains an entry for this variant (Variation ID: 1039519). Invitae Evidence Modeling of protein sequence and biophysical properties (such as structural, functional, and spatial information, amino acid conservation, physicochemical variation, residue mobility, and thermodynamic stability) indicates that this missense variant is not expected to disrupt WAS protein function with a negative predictive value of 80%. In summary, the available evidence is currently insufficient to determine the role of this variant in disease. Therefore, it has been classified as a Variant of Uncertain Significance.